The following is an entry in ClinVar:

ClinVar aggregate classification (germline): Conflicting classifications of pathogenicity. Review status: criteria provided, conflicting classifications (1 of 4 stars). 3 submissions from 3 submitters: Uncertain significance (2); Likely benign (1). Last evaluated 2026-03-23.

Conditions:
Diamond-Blackfan anemia 7 (DBA7). Also called: RPL11-Related Diamond-Blackfan Anemia. Identifiers: Orphanet 124, MedGen C2675512, MONDO:0012938, OMIM 612562.
Diamond-Blackfan anemia. Also called: Blackfan Diamond syndrome; Aregenerative anemia chronic congenital; Red cell aplasia, pure hereditary; Congenital hypoplastic anemia; Aase syndrome. Identifiers: Orphanet 124, MedGen C1260899, MeSH D029503, MONDO:0015253, HP:0004810.

Submissions (3):

Centre for Medical Genetics,  Mumbai
Classification: Likely benign for Diamond-Blackfan anemia 7. Last evaluated: 2026-03-23. Review status: criteria provided, single submitter. Criteria: ACMG Guidelines, 2015. Collection method: provider interpretation. Allele origin: germline. Inheritance: Autosomal dominant inheritance. Affected: no. Observed: 1 variant allele, 1 heterozygote.
Comment: The variant satisfies PM2 criteria; Extremely low frequency in gnomAD population databases. The variant satisfies PM4 criteria; Protein length changes resulting from in-frame The variant satisfies PM5 criteria; Different amino acid change as a known pathogenic in a non-repeat region or a stop-loss variant. However, the variant satisfies BS2 criteria.

Fulgent Genetics
Classification: Uncertain significance for Diamond-Blackfan anemia 7. Last evaluated: 2024-03-20. Review status: criteria provided, single submitter. Criteria: ACMG Guidelines, 2015. Collection method: clinical testing. Allele origin: germline.

Labcorp Genetics (formerly Invitae), Labcorp
Classification: Uncertain significance for Diamond-Blackfan anemia. Last evaluated: 2024-01-23. Review status: criteria provided, single submitter. Criteria: Invitae Variant Classification Sherloc (09022015). Collection method: clinical testing. Allele origin: germline.
Comment: This variant, c.433_435del, results in the deletion of 1 amino acid(s) of the RPL11 protein (p.Lys145del), but otherwise preserves the integrity of the reading frame. This variant is present in population databases (rs753304343, gnomAD 0.003%). This variant has not been reported in the literature in individuals affected with RPL11-related conditions. Experimental studies and prediction algorithms are not available or were not evaluated, and the functional significance of this variant is currently unknown. In summary, the available evidence is currently insufficient to determine the role of this variant in disease. Therefore, it has been classified as a Variant of Uncertain Significance.

Literature cited by the submitters: PubMed 19061985 (cited by Centre for Medical Genetics,  Mumbai).

NM_000975.5(RPL11):c.430AAG[1] (p.Lys145del)

Gene: RPL11 (ribosomal protein L11; plus strand). Cytogenetic location: 1p36.11.
Variant type: Microsatellite.
Coding change: c.430AAG[1] on transcript NM_000975.5 (MANE Select); one copy of the 3-base unit AAG starting at c.430; the reference has two copies in a row; one copy, 3 bases deleted; also written c.433_435del.
Protein change: p.Lys145del; deletes lysine 145.
Molecular consequence: inframe deletion.
Genome position (GRCh38, 1-based): chr1:23,695,834-23,695,836, AAG deleted; deleting any 3 consecutive bases within chr1:23,695,831-23,695,836 gives the same sequence; the position shown is the placement nearest the transcript's 3' end. VCF-style (leftmost placement, unchanged base first): chr1-23695830-CAAG-C. GRCh37 (hg19) VCF-style: chr1-24022320-CAAG-C.
Other names: c.427AAG[1], p.Lys144del (NM_001199802.1); c.433_435del (NM_000975.5); short protein forms K144del, K145del.
Identifiers: ClinVar variation 1901070 (VCV001901070.7), dbSNP rs753304343, ClinGen allele CA684294.